The following is an entry in ClinVar:

ClinVar aggregate classification (germline): Pathogenic (1 of 4 stars; one submission).

Conditions:
Gaucher disease type I (GD1). Also called: Type 1 Gaucher Disease; GD 1; GAUCHER DISEASE, NONCEREBRAL JUVENILE; GBA DEFICIENCY; GD I; GLUCOCEREBROSIDASE DEFICIENCY. Identifiers: Orphanet 355, Orphanet 77259, MedGen C1961835, MONDO:0009265, OMIM 230800.

Submission:

Biochemical Genetics Department, Cyprus Institute of Neurology and Genetics
Classification: Pathogenic for Gaucher disease type I. Review status: criteria provided, single submitter. Criteria: ACMG Guidelines, 2015. Collection method: clinical testing. Allele origin: germline. Inheritance: Autosomal recessive inheritance. Affected: yes. Observed: 1 homozygote.
Comment: The g.12599C>A (c.999+242C>A) variant in the GBA gene was found in one Cypriot family with low glucocerebrosidase (GCase) enzyme activity. Proband's cDNA analysis revealed that this variant creates a new splice donor site leading to the insertion of the first 239 nucleotides of intron 7 in mRNA, resulting in a premature stop codon. In summary, g.7764C>A (c.999+242C>A) variant meets our criteria to be classified as pathogenic.

Literature cited by the submitters: PubMed 31943857.

NM_000157.4(GBA1):c.999+242C>A

Genes: GBA1 (glucosylceramidase beta 1; minus strand), LOC106627981 (GBA recombination region; plus strand). Cytogenetic location: 1q22.
Variant type: single nucleotide variant.
Coding change: c.999+242C>A on transcript NM_000157.4 (MANE Select); 242 bases into the intron after coding-DNA position 999, C replaced by A.
Molecular consequence: intron variant.
Genome position (GRCh38, 1-based): chr1:155,237,099, G>T on the plus strand (C>A on the coding strand, the complement: GBA1 is on the minus strand). VCF-style: chr1-155237099-G-T. GRCh37 (hg19) VCF-style: chr1-155206890-G-T.
Other names: c.738+242C>A (NM_001171811.2); c.999+242C>A (NM_001005742.3, NM_001005741.3); c.852+242C>A (NM_001171812.2).
Identifiers: ClinVar variation 689500 (VCV000689500.5), dbSNP rs1571969643, ClinGen allele CA915941449.